The following is an entry in ClinVar:

ClinVar aggregate classification (germline): Uncertain significance. Review status: criteria provided, multiple submitters, no conflicts (2 of 4 stars). 2 submissions from 2 submitters: Uncertain significance (2). Last evaluated 2025-02-16.

Conditions:
Progressive familial heart block type IB (PFHB1B). Identifiers: Orphanet 871, MedGen C1970298, MONDO:0011474, OMIM 604559.
Cardiovascular phenotype. Identifiers: MedGen CN230736.

Allele frequency attached by ClinVar (database versions not stated): gnomAD 0.00003; gnomAD exomes below 0.00001; TOPMed 0.00002.
gnomAD v4.1: 6 of 1,605,286 alleles (0.00037%); highest among the groups gnomAD compares: African/African-American, 0.0067%; no homozygotes.

Submissions (2):

Labcorp Genetics (formerly Invitae), Labcorp
Classification: Uncertain significance for Progressive familial heart block type IB. Last evaluated: 2025-02-16. Review status: criteria provided, single submitter. Criteria: Invitae Variant Classification Sherloc (09022015). Collection method: clinical testing. Allele origin: germline.
Comment: This sequence change replaces proline, which is neutral and non-polar, with arginine, which is basic and polar, at codon 520 of the TRPM4 protein (p.Pro520Arg). The frequency data for this variant in the population databases is considered unreliable, as metrics indicate poor data quality at this position in the gnomAD database. This variant has not been reported in the literature in individuals affected with TRPM4-related conditions. ClinVar contains an entry for this variant (Variation ID: 1775210). An algorithm developed to predict the effect of missense changes on protein structure and function outputs the following: PolyPhen-2: "Benign". The arginine amino acid residue is found in multiple mammalian species, which suggests that this missense change does not adversely affect protein function. In summary, the available evidence is currently insufficient to determine the role of this variant in disease. Therefore, it has been classified as a Variant of Uncertain Significance.

Ambry Genetics
Classification: Uncertain significance for Cardiovascular phenotype. Last evaluated: 2021-01-25. Review status: criteria provided, single submitter. Criteria: Ambry Variant Classification Scheme 2023. Collection method: clinical testing. Allele origin: germline.
Comment: The p.P520R variant (also known as c.1559C>G), located in coding exon 11 of the TRPM4 gene, results from a C to G substitution at nucleotide position 1559. The proline at codon 520 is replaced by arginine, an amino acid with dissimilar properties. This amino acid position is poorly conserved in available vertebrate species, and arginine is the reference amino acid in other vertebrate species. In addition, this alteration is predicted to be tolerated by in silico analysis. Since supporting evidence is limited at this time, the clinical significance of this alteration remains unclear.

NM_017636.4(TRPM4):c.1559C>G (p.Pro520Arg)

Gene: TRPM4 (transient receptor potential cation channel subfamily M member 4; plus strand). Cytogenetic location: 19q13.33.
Variant type: single nucleotide variant.
Coding change: c.1559C>G on transcript NM_017636.4 (MANE Select); coding-DNA position 1559, C replaced by G.
Protein change: p.Pro520Arg; replaces proline 520 with arginine.
Molecular consequence: missense variant. On other transcripts: intron variant (1).
Genome position (GRCh38, 1-based): chr19:49,182,873, C>G. VCF-style: chr19-49182873-C-G. GRCh37 (hg19) VCF-style: chr19-49686130-C-G.
Other names: c.1559C>G, p.Pro520Arg (NM_001195227.2); c.1214C>G, p.Pro405Arg (NM_001321281.2); c.1037C>G, p.Pro346Arg (NM_001321283.2); c.497C>G, p.Pro166Arg (NM_001321285.2); c.-1+6C>G (NM_001321282.2); short protein forms P346R, P405R, P166R, P520R.
Identifiers: ClinVar variation 1775210 (VCV001775210.5), dbSNP rs1250791595, ClinGen allele CA406799786.